The following is an entry in ClinVar:

NM_139343.3(BIN1):c.858-1466T>C

Gene: BIN1 (bridging integrator 1; minus strand). Cytogenetic location: 2q14.3.
Variant type: single nucleotide variant.
Coding change: c.858-1466T>C on transcript NM_139343.3 (MANE Select); 1466 bases into the intron before coding-DNA position 858, T replaced by C.
Molecular consequence: intron variant. On other transcripts: missense variant (3).
Genome position (GRCh38, 1-based): chr2:127,060,621, A>G on the plus strand (T>C on the coding strand, the complement: BIN1 is on the minus strand). VCF-style: chr2-127060621-A-G. GRCh37 (hg19) VCF-style: chr2-127818197-A-G.
Other names: c.784T>C, p.Ser262Pro (NM_001320632.2, NM_004305.4, NM_139346.3); c.777-1466T>C (NM_001320642.1); c.693-1466T>C (NM_001320634.1); c.765-1466T>C (NM_139351.3, NM_139350.3, NM_139349.3 and 3 more transcripts); c.858-1466T>C (NM_001320633.2, NM_139345.3, NM_139344.3 and 1 more transcripts); short protein forms S262P.
Identifiers: ClinVar variation 385503 (VCV000385503.5), dbSNP rs148473945, ClinGen allele CA1857284.

ClinVar aggregate classification (germline): Uncertain significance (1 of 4 stars; one submission).

Allele frequency attached by ClinVar (database versions not stated): ExAC 0.00010; gnomAD exomes 0.00011; gnomAD 0.00038 and 0.00041; TOPMed 0.00041; ESP Exome Variant Server 0.00054.
gnomAD v4.1: 106 of 1,614,098 alleles (0.0066%); highest among the groups gnomAD compares: African/African-American, 0.11%; no homozygotes.

Submission:

GeneDx
Classification: Uncertain significance. Last evaluated: 2025-05-13. Review status: criteria provided, single submitter. Criteria: GeneDx Variant Classification Process June 2021. Collection method: clinical testing. Allele origin: germline. Affected: yes.
Comment: In silico analysis suggests that this missense variant does not alter protein structure/function; Has not been previously published as pathogenic or benign to our knowledge; Reported using an alternate transcript of the gene